The following is an entry in ClinVar:

ClinVar aggregate classification (germline): Uncertain significance (1 of 4 stars; one submission).

gnomAD v4.1: 2 of 1,537,680 alleles (0.00013%); highest among the groups gnomAD compares: Non-Finnish European, 0.00017%; no homozygotes.

Submission:

Labcorp Genetics (formerly Invitae), Labcorp
Classification: Uncertain significance. Last evaluated: 2022-07-21. Review status: criteria provided, single submitter. Criteria: Invitae Variant Classification Sherloc (09022015). Collection method: clinical testing. Allele origin: germline.
Comment: In summary, the available evidence is currently insufficient to determine the role of this variant in disease. Therefore, it has been classified as a Variant of Uncertain Significance. Advanced modeling of protein sequence and biophysical properties (such as structural, functional, and spatial information, amino acid conservation, physicochemical variation, residue mobility, and thermodynamic stability) performed at Invitae indicates that this missense variant is not expected to disrupt CDK13 protein function. This variant has not been reported in the literature in individuals affected with CDK13-related conditions. This variant is not present in population databases (gnomAD no frequency). This sequence change replaces arginine, which is basic and polar, with glycine, which is neutral and non-polar, at codon 280 of the CDK13 protein (p.Arg280Gly).

NM_003718.5(CDK13):c.838C>G (p.Arg280Gly)

Gene: CDK13 (cyclin dependent kinase 13; plus strand). Cytogenetic location: 7p14.1.
Variant type: single nucleotide variant.
Coding change: c.838C>G on transcript NM_003718.5 (MANE Select); coding-DNA position 838, C replaced by G.
Protein change: p.Arg280Gly; replaces arginine 280 with glycine.
Molecular consequence: missense variant.
Genome position (GRCh38, 1-based): chr7:39,951,479, C>G. VCF-style: chr7-39951479-C-G. GRCh37 (hg19) VCF-style: chr7-39991078-C-G.
Other names: c.838C>G, p.Arg280Gly (NM_031267.4); short protein forms R280G.
Identifiers: ClinVar variation 1721311 (VCV001721311.5), dbSNP rs1002669406, ClinGen allele CA367310598.